The following is an entry in ClinVar:

NM_003743.5(NCOA1):c.3035T>G (p.Val1012Gly)

Gene: NCOA1 (nuclear receptor coactivator 1; plus strand). Cytogenetic location: 2p23.3.
Variant type: single nucleotide variant.
Coding change: c.3035T>G on transcript NM_003743.5 (MANE Select); coding-DNA position 3035, T replaced by G.
Protein change: p.Val1012Gly; replaces valine 1012 with glycine.
Molecular consequence: missense variant.
Genome position (GRCh38, 1-based): chr2:24,729,649, T>G. VCF-style: chr2-24729649-T-G. GRCh37 (hg19) VCF-style: chr2-24952518-T-G.
Other names: c.3035T>G, p.Val1012Gly (NM_001362950.1, NM_001362952.1, NM_001362954.1 and 3 more transcripts); short protein forms V1012G.
Identifiers: ClinVar variation 4997626 (VCV004997626.1).

ClinVar aggregate classification (germline): Uncertain significance (1 of 4 stars; one submission).

Conditions:
NCOA1-related disorder. Also called: NCOA1-related condition.

Submission:

PreventionGenetics, part of Exact Sciences
Classification: Uncertain significance for NCOA1-related condition. Last evaluated: 2025-03-31. Review status: criteria provided, single submitter. Criteria: ACMG Guidelines, 2015. Collection method: clinical testing. Allele origin: germline.
Comment: The NCOA1 c.3035T>G variant is predicted to result in the amino acid substitution p.Val1012Gly. To our knowledge, this variant has not been reported in the literature or in a large population database (gnomAD), indicating this variant is rare. At this time, the clinical significance of this variant is uncertain due to the absence of conclusive functional and genetic evidence.